The following is an entry in ClinVar:

NM_004304.5(ALK):c.3935C>T (p.Thr1312Ile)

Gene: ALK (ALK receptor tyrosine kinase; minus strand). Cytogenetic location: 2p23.2.
Variant type: single nucleotide variant.
Coding change: c.3935C>T on transcript NM_004304.5 (MANE Select); coding-DNA position 3935, C replaced by T.
Protein change: p.Thr1312Ile; replaces threonine 1312 with isoleucine.
Molecular consequence: missense variant.
Genome position (GRCh38, 1-based): chr2:29,207,174, G>A on the plus strand (C>T on the coding strand, the complement: ALK is on the minus strand). VCF-style: chr2-29207174-G-A. GRCh37 (hg19) VCF-style: chr2-29430040-G-A.
Other names: c.731C>T, p.Thr244Ile (NM_001353765.2); short protein forms T1312I, T244I.
Identifiers: ClinVar variation 1736294 (VCV001736294.2), dbSNP rs2148151937, ClinGen allele CA346468444.

ClinVar aggregate classification (germline): Uncertain significance (1 of 4 stars; one submission).

Conditions:
Hereditary cancer-predisposing syndrome. Also called: Neoplastic Syndromes, Hereditary; Tumor predisposition; Hereditary Cancer Syndrome; Hereditary neoplastic syndrome. Identifiers: Orphanet 140162, MedGen C0027672, MeSH D009386, MONDO:0015356.

Submission:

Ambry Genetics
Classification: Uncertain significance for Hereditary cancer-predisposing syndrome. Last evaluated: 2020-03-20. Review status: criteria provided, single submitter. Criteria: Ambry Variant Classification Scheme 2023. Collection method: clinical testing. Allele origin: germline.
Comment: The p.T1312I variant (also known as c.3935C>T), located in coding exon 26 of the ALK gene, results from a C to T substitution at nucleotide position 3935. The threonine at codon 1312 is replaced by isoleucine, an amino acid with similar properties. This amino acid position is highly conserved in available vertebrate species. In addition, this alteration is predicted to be deleterious by in silico analysis. Since supporting evidence is limited at this time, the clinical significance of this alteration remains unclear.